The following is an entry in ClinVar:

NM_001288705.3(CSF1R):c.2764-5C>T

Gene: CSF1R (colony stimulating factor 1 receptor; minus strand). Cytogenetic location: 5q32.
Variant type: single nucleotide variant.
Coding change: c.2764-5C>T on transcript NM_001288705.3 (MANE Select); 5 bases into the intron before coding-DNA position 2764, C replaced by T.
Molecular consequence: intron variant.
Genome position (GRCh38, 1-based): chr5:150,054,229, G>A on the plus strand (C>T on the coding strand, the complement: CSF1R is on the minus strand). VCF-style: chr5-150054229-G-A. GRCh37 (hg19) VCF-style: chr5-149433792-G-A.
Other names: p.?; c.2320-5C>T (NM_001375321.1); c.2764-5C>T (NM_005211.4, NM_001375320.1, NM_001349736.2).
Identifiers: ClinVar variation 4684867 (VCV004684867.1).

ClinVar aggregate classification (germline): Likely benign (1 of 4 stars; one submission).

gnomAD v4.1: 13 of 1,612,368 alleles (0.00081%); highest among the groups gnomAD compares: Non-Finnish European, 0.001%; no homozygotes.

Submission:

Mayo Clinic Laboratories, Mayo Clinic
Classification: Likely benign. Last evaluated: 2025-06-27. Review status: criteria provided, single submitter. Criteria: ACMG Guidelines, 2015. Collection method: clinical testing. Allele origin: germline. Observed: 1 variant allele.
Comment: BP4, BP7